The following is an entry in ClinVar:

NM_001042492.3(NF1):c.2609T>A (p.Val870Asp)

Gene: NF1 (neurofibromin 1; plus strand). Cytogenetic location: 17q11.2.
Variant type: single nucleotide variant.
Coding change: c.2609T>A on transcript NM_001042492.3 (MANE Select); coding-DNA position 2609, T replaced by A.
Protein change: p.Val870Asp; replaces valine 870 with aspartic acid.
Molecular consequence: missense variant.
Genome position (GRCh38, 1-based): chr17:31,229,224, T>A. VCF-style: chr17-31229224-T-A. GRCh37 (hg19) VCF-style: chr17-29556242-T-A.
Other names: c.2609T>A, p.Val870Asp (NM_000267.4); short protein forms V870D.
Identifiers: ClinVar variation 3879062 (VCV003879062.1).
Genomic context (GRCh38, chr17:31,229,224, plus strand): 5'-TGTGCCTCCAGCAGAGAAGCAATTCTGGCCTGGCAACCTATAGCCCACCCATGGGTCCAG[T>A]CAGTGAACGTAAGGGTTCTATGATTTCAGTGATGTCTTCAGAGGGAAACGCAGATACACC-3'
Protein context (NP_001035957.1, residues 860-880): LATYSPPMGP[Val870Asp]SERKGSMISV

ClinVar aggregate classification (germline): Uncertain significance (1 of 4 stars; one submission).

Conditions:
Cardiovascular phenotype. Identifiers: MedGen CN230736.
Hereditary cancer-predisposing syndrome. Also called: Tumor predisposition; Neoplastic Syndromes, Hereditary; Hereditary Cancer Syndrome; Hereditary neoplastic syndrome. Identifiers: Orphanet 140162, MedGen C0027672, MeSH D009386, MONDO:0015356.

Submission:

Ambry Genetics
Classification: Uncertain significance for Cardiovascular phenotype; Hereditary cancer-predisposing syndrome. Last evaluated: 2025-01-14. Review status: criteria provided, single submitter. Criteria: Ambry Variant Classification Scheme 2023. Collection method: clinical testing. Allele origin: germline.
Comment: The p.V870D variant (also known as c.2609T>A), located in coding exon 21 of the NF1 gene, results from a T to A substitution at nucleotide position 2609. The valine at codon 870 is replaced by aspartic acid, an amino acid with highly dissimilar properties. This amino acid position is conserved. In addition, the in silico prediction for this alteration is inconclusive. Based on the available evidence, the clinical significance of this variant remains unclear.